The following is an entry in ClinVar:

NM_002972.4(SBF1):c.5664_5673del (p.Ser1888fs)

Gene: SBF1 (SET binding factor 1; minus strand). Cytogenetic location: 22q13.33.
Variant type: Deletion.
Coding change: c.5664_5673del on transcript NM_002972.4 (MANE Select); coding-DNA positions 5664 to 5673, 10 bases deleted (CTGCCTGTCG; older notation c.5664_5673delCTGCCTGTCG).
Protein change: p.Ser1888fs; shifts the reading frame from serine 1888.
Molecular consequence: frameshift variant.
Genome position (GRCh38, 1-based): chr22:50,447,151-50,447,160, CGACAGGCAG deleted on the plus strand (CTGCCTGTCG on the coding strand, the reverse complement: SBF1 is on the minus strand); deleting any 10 consecutive bases within chr22:50,447,151-50,447,161 gives the same sequence; the c. name uses the placement nearest the transcript's 3' end. VCF-style (leftmost placement, unchanged base first): chr22-50447150-CCGACAGGCAG-C. GRCh37 (hg19) VCF-style: chr22-50885579-CCGACAGGCAG-C.
Other names: c.5666_5675delGCTGCCTGTC, p.Ser1889Argfs (NM_001410794.1); c.5585_5594delGCTGCCTGTC, p.Ser1862Argfs (NM_001410795.1); c.5663_5672delGCTGCCTGTC, p.Ser1888Argfs (NM_197971.1); c.5589_5598del, p.Ser1863fs (NM_001365819.1); short protein forms S1863fs, S1888fs.
Identifiers: ClinVar variation 2108952 (VCV002108952.4), dbSNP rs2521719083, ClinGen allele CA2580100102.
Genomic context (GRCh38, chr22:50,447,150, plus strand): 5'-CCTAGTGGTCGGTAACGACCGGAAGCAGAGCAGCCGGGCAGGGCTGGGAGGCTCAGGCGT[CCGACAGGCAG>C]CTCTGGATCCGGTCCACCCACTGCTGGGCCGAGGGCACGTCCTGGGCACAGAAGTTGTAA-3'

ClinVar aggregate classification (germline): Uncertain significance (1 of 4 stars; one submission).

Submission:

Labcorp Genetics (formerly Invitae), Labcorp
Classification: Uncertain significance. Last evaluated: 2022-03-11. Review status: criteria provided, single submitter. Criteria: Invitae Variant Classification Sherloc (09022015). Collection method: clinical testing. Allele origin: germline.
Comment: This variant is not present in population databases (gnomAD no frequency). This sequence change results in a frameshift in the SBF1 gene (p.Ser1888Argfs*39). While this is not anticipated to result in nonsense mediated decay, it is expected to disrupt the last 6 amino acid(s) of the SBF1 protein and extend the protein by 32 additional amino acid residues. This variant has not been reported in the literature in individuals affected with SBF1-related conditions. In summary, the available evidence is currently insufficient to determine the role of this variant in disease. Therefore, it has been classified as a Variant of Uncertain Significance. Experimental studies and prediction algorithms are not available or were not evaluated, and the functional significance of this variant is currently unknown.